The following is an entry in ClinVar:

ClinVar aggregate classification (germline): Uncertain significance (1 of 4 stars; one submission).

Conditions:
Epidermolysis bullosa simplex 5C, with pyloric atresia (EBS5C). Also called: PLEC-Related Epidermolysis Bullosa with Pyloric Atresia; Epidermolysis bullosa simplex with pyloric atresia; PLEC1-Related Epidermolysis Bullosa with Pyloric Atresia. Identifiers: Orphanet 158684, MedGen C2677349, MONDO:0012807, OMIM 612138.
Epidermolysis bullosa simplex 5B, with muscular dystrophy (EBS5B). Also called: Epidermolysis bullosa simplex with muscular dystrophy; EPIDERMOLYSIS BULLOSA SIMPLEX AND LIMB-GIRDLE MUSCULAR DYSTROPHY. Identifiers: Orphanet 257, MedGen C2931072, MONDO:0009181, OMIM 226670.
Epidermolysis bullosa simplex, Ogna type (EBS5A). Also called: Pidermolysis bullosa simplex 5A, Ogna type; EPIDERMOLYSIS BULLOSA SIMPLEX 5A, OGNA TYPE. Identifiers: Orphanet 79401, MedGen C0432317, MONDO:0007555, OMIM 131950.
Autosomal recessive limb-girdle muscular dystrophy type 2Q (LGMDR17). Also called: MUSCULAR DYSTROPHY, LIMB-GIRDLE, AUTOSOMAL RECESSIVE 17. Identifiers: Orphanet 254361, MedGen C3150989, MONDO:0013390, OMIM 613723.
Epidermolysis bullosa simplex with nail dystrophy (EBS5D). Identifiers: MedGen C4225309, MONDO:0014661, OMIM 616487.

Submission:

Labcorp Genetics (formerly Invitae), Labcorp
Classification: Uncertain significance for Autosomal recessive limb-girdle muscular dystrophy type 2Q; Epidermolysis bullosa simplex, Ogna type; Epidermolysis bullosa simplex with nail dystrophy; Epidermolysis bullosa simplex 5C, with pyloric atresia; Epidermolysis bullosa simplex 5B, with muscular dystrophy. Last evaluated: 2019-10-24. Review status: criteria provided, single submitter. Criteria: Invitae Variant Classification Sherloc (09022015). Collection method: clinical testing. Allele origin: germline.
Comment: Algorithms developed to predict the effect of missense changes on protein structure and function are either unavailable or do not agree on the potential impact of this missense change (SIFT: "Deleterious"; PolyPhen-2: "Not Available"; Align-GVGD: "Class C35"). In summary, the available evidence is currently insufficient to determine the role of this variant in disease. Therefore, it has been classified as a Variant of Uncertain Significance. This variant has not been reported in the literature in individuals with PLEC-related conditions. This variant is reported as two separate entries in the ExAC population database (c.8574G>C, 0.0% and c.8575C>T, 0.002%). This sequence change replaces arginine with cysteine at codon 2859 of the PLEC protein (p.Arg2859Cys). The arginine residue is highly conserved and there is a large physicochemical difference between arginine and cysteine.

NM_201384.3(PLEC):c.8493_8494delinsCT (p.Arg2832Cys)

Gene: PLEC (plectin; minus strand). Cytogenetic location: 8q24.3.
Variant type: Indel.
Coding change: c.8493_8494delinsCT on transcript NM_201384.3 (MANE Select); coding-DNA positions 8493 to 8494, GC replaced by CT.
Protein change: p.Arg2832Cys; replaces arginine 2832 with cysteine.
Molecular consequence: missense variant.
Genome position (GRCh38, 1-based): chr8:143,921,327-143,921,328, GC replaced by AG on the plus strand (GC replaced by CT on the coding strand, the reverse complement: PLEC is on the minus strand). VCF-style: chr8-143921327-GC-AG. GRCh37 (hg19) VCF-style: chr8-144995495-GC-AG.
Other names: c.8493_8494delinsCT, p.Arg2832Cys (NM_201382.4); c.8505_8506delinsCT, p.Arg2836Cys (NM_201383.3); c.8574_8575delinsCT, p.Arg2859Cys (NM_000445.5); c.8451_8452delinsCT, p.Arg2818Cys (NM_201378.4); c.8427_8428delinsCT, p.Arg2810Cys (NM_201379.3); c.8904_8905delinsCT, p.Arg2969Cys (NM_201380.4); c.8397_8398delinsCT, p.Arg2800Cys (NM_201381.3); short protein forms R2832C, R2810C, R2818C, R2859C, R2969C, R2800C, R2836C.
Identifiers: ClinVar variation 955387 (VCV000955387.5), dbSNP rs1822596497, ClinGen allele CA1139660793.